The following is an entry in ClinVar:

ClinVar aggregate classification (germline): Benign/Likely benign. Review status: criteria provided, multiple submitters, no conflicts (2 of 4 stars). 2 submissions from 2 submitters: Benign (1); Likely benign (1). Last evaluated 2026-04-14.

Conditions:
DICER1-related tumor predisposition. Also called: DICER1 syndrome; DICER1-related pleuropulmonary blastoma cancer predisposition syndrome. Identifiers: Orphanet 284343, MedGen C3839822, MONDO:0100216.
Hereditary cancer-predisposing syndrome. Also called: Tumor predisposition; Hereditary Cancer Syndrome; Hereditary neoplastic syndrome; Neoplastic Syndromes, Hereditary. Identifiers: Orphanet 140162, MedGen C0027672, MeSH D009386, MONDO:0015356.

Allele frequency attached by ClinVar (database versions not stated): gnomAD exomes below 0.00001.
gnomAD v4.1: 1 of 1,613,852 alleles (0.000062%); highest among the groups gnomAD compares: South Asian, 0.0011%; no homozygotes.

Submissions (2):

Myriad Genetics, Inc.
Classification: Benign for DICER1-related tumor predisposition. Last evaluated: 2026-04-14. Review status: criteria provided, single submitter. Criteria: Myriad Autosomal Dominant, Autosomal Recessive and X-Linked Classification Criteria (2023). Collection method: clinical testing. Allele origin: unknown.
Comment: This variant is considered benign. This variant is a silent/synonymous amino acid change and it is not expected to impact splicing.

Ambry Genetics
Classification: Likely benign for Hereditary cancer-predisposing syndrome. Last evaluated: 2017-12-18. Review status: criteria provided, single submitter. Criteria: Ambry Variant Classification Scheme 2023. Collection method: clinical testing. Allele origin: germline.

NM_177438.3(DICER1):c.153G>A (p.Leu51=)

Gene: DICER1 (dicer 1, ribonuclease III; minus strand). Cytogenetic location: 14q32.13.
Variant type: single nucleotide variant.
Coding change: c.153G>A on transcript NM_177438.3 (MANE Select); coding-DNA position 153, G replaced by A.
Protein change: p.Leu51=; no amino-acid change (leucine 51 retained).
Molecular consequence: synonymous variant.
Genome position (GRCh38, 1-based): chr14:95,132,669, C>T on the plus strand (G>A on the coding strand, the complement: DICER1 is on the minus strand). VCF-style: chr14-95132669-C-T. GRCh37 (hg19) VCF-style: chr14-95599006-C-T.
Other names: c.153G>A, p.Leu51= (NM_001195573.1, NM_001271282.3, NM_001291628.2 and 1 more transcripts).
Identifiers: ClinVar variation 819441 (VCV000819441.5), dbSNP rs1595466715, ClinGen allele CA487634152.